The following is an entry in ClinVar:

ClinVar aggregate classification (germline): Uncertain significance. Review status: criteria provided, multiple submitters, no conflicts (2 of 4 stars). 2 submissions from 2 submitters: Uncertain significance (2). Last evaluated 2024-04-25.

Conditions:
Dalmatian hypouricemia (RHUC1). Identifiers: MedGen C0473219, MONDO:0020728, OMIM 220150.

Allele frequency attached by ClinVar (database versions not stated): gnomAD 0.00004; gnomAD exomes 0.00004; TOPMed 0.00005; ExAC 0.00007.
gnomAD v4.1: 68 of 1,610,878 alleles (0.0042%); highest among the groups gnomAD compares: Middle Eastern, 0.017%; no homozygotes.

Submissions (2):

Labcorp Genetics (formerly Invitae), Labcorp
Classification: Uncertain significance. Last evaluated: 2024-04-25. Review status: criteria provided, single submitter. Criteria: Invitae Variant Classification Sherloc (09022015). Collection method: clinical testing. Allele origin: germline.
Comment: This sequence change replaces alanine, which is neutral and non-polar, with valine, which is neutral and non-polar, at codon 373 of the SLC22A12 protein (p.Ala373Val). This variant is present in population databases (rs773056120, gnomAD 0.01%). This variant has not been reported in the literature in individuals affected with SLC22A12-related conditions. ClinVar contains an entry for this variant (Variation ID: 2083596). An algorithm developed to predict the effect of missense changes on protein structure and function (PolyPhen-2) suggests that this variant is likely to be disruptive. In summary, the available evidence is currently insufficient to determine the role of this variant in disease. Therefore, it has been classified as a Variant of Uncertain Significance.

Fulgent Genetics
Classification: Uncertain significance for Dalmatian hypouricemia. Last evaluated: 2024-04-10. Review status: criteria provided, single submitter. Criteria: ACMG Guidelines, 2015. Collection method: clinical testing. Allele origin: germline.

NM_144585.4(SLC22A12):c.1118C>T (p.Ala373Val)

Gene: SLC22A12 (solute carrier family 22 member 12; plus strand). Cytogenetic location: 11q13.1.
Variant type: single nucleotide variant.
Coding change: c.1118C>T on transcript NM_144585.4 (MANE Select); coding-DNA position 1118, C replaced by T.
Protein change: p.Ala373Val; replaces alanine 373 with valine.
Molecular consequence: missense variant.
Genome position (GRCh38, 1-based): chr11:64,599,723, C>T. VCF-style: chr11-64599723-C-T. GRCh37 (hg19) VCF-style: chr11-64367195-C-T.
Other names: c.794C>T, p.Ala265Val (NM_001276327.2); c.455C>T, p.Ala152Val (NM_153378.3); c.1016C>T, p.Ala339Val (NM_001276326.2); short protein forms A373V, A152V, A339V, A265V.
Identifiers: ClinVar variation 2083596 (VCV002083596.4), dbSNP rs773056120, ClinGen allele CA6077323.